The following is an entry in ClinVar:

NM_015040.4(PIKFYVE):c.2016T>G (p.Gly672=)

Gene: PIKFYVE (phosphoinositide kinase, FYVE-type zinc finger containing; plus strand). Cytogenetic location: 2q34.
Variant type: single nucleotide variant.
Coding change: c.2016T>G on transcript NM_015040.4 (MANE Select); coding-DNA position 2016, T replaced by G.
Protein change: p.Gly672=; no amino-acid change (glycine 672 retained).
Molecular consequence: synonymous variant.
Genome position (GRCh38, 1-based): chr2:208,317,875, T>G. VCF-style: chr2-208317875-T-G. GRCh37 (hg19) VCF-style: chr2-209182599-T-G.
Identifiers: ClinVar variation 895428 (VCV000895428.4), dbSNP rs148810695, ClinGen allele CA2079713.
Genomic context (GRCh38, chr2:208,317,875, plus strand): 5'-ATTCTAAGCATGTTATCATTGAATTTTATTGTTTTCTTAATTGTTCCATTAGATCCCAGG[T>G]GGAAAGAAGTTTGATTCTGTGGTTGTCAATGGCTTTGTTTGTACCAAGAACATTGCACAT-3'
Protein context (NP_055855.2, residues 662-682): RQFVHIKKIP[Gly672=]GKKFDSVVVN

ClinVar aggregate classification (germline): Benign (1 of 4 stars; one submission).

Conditions:
Fleck corneal dystrophy (CFD). Also called: CORNEAL DYSTROPHY, FRANCOIS-NEETENS SPECKLED OR FLECKED. Identifiers: Orphanet 98970, MedGen C1562113, MONDO:0007376, OMIM 121850.

Allele frequency attached by ClinVar (database versions not stated): ExAC 0.00008; gnomAD exomes 0.00010 and 0.00017; gnomAD 0.00011; TOPMed 0.00012; ESP Exome Variant Server 0.00023.
gnomAD v4.1: 288 of 1,612,624 alleles (0.018%); highest among the groups gnomAD compares: Non-Finnish European, 0.021%; no homozygotes.

Submission:

Illumina Laboratory Services, Illumina
Classification: Benign for Fleck corneal dystrophy. Last evaluated: 2018-01-13. Review status: criteria provided, single submitter. Criteria: ICSL Variant Classification Criteria 13 December 2019. Collection method: clinical testing. Allele origin: germline.
Comment: This variant was observed in the ICSL laboratory as part of a predisposition screen in an ostensibly healthy population. It had not been previously curated by ICSL or reported in the Human Gene Mutation Database (HGMD: prior to June 1st, 2018), and was therefore a candidate for classification through an automated scoring system. Utilizing variant allele frequency, disease prevalence and penetrance estimates, and inheritance mode, an automated score was calculated to assess if this variant is too frequent to cause the disease. Based on the score and internal cut-off values, a variant classified as benign is not then subjected to further curation. The score for this variant resulted in a classification of benign for this disease.